The following is an entry in ClinVar:

NM_004795.4(KL):c.2042T>C (p.Val681Ala)

Gene: KL (klotho; plus strand). Cytogenetic location: 13q13.1.
Variant type: single nucleotide variant.
Coding change: c.2042T>C on transcript NM_004795.4 (MANE Select); coding-DNA position 2042, T replaced by C.
Protein change: p.Val681Ala; replaces valine 681 with alanine.
Molecular consequence: missense variant.
Genome position (GRCh38, 1-based): chr13:33,061,121, T>C. VCF-style: chr13-33061121-T-C. GRCh37 (hg19) VCF-style: chr13-33635258-T-C.
Other names: short protein forms V681A.
Identifiers: ClinVar variation 3678747 (VCV003678747.2).

ClinVar aggregate classification (germline): Uncertain significance (1 of 4 stars; one submission).

gnomAD v4.1: 10 of 1,613,986 alleles (0.00062%); highest among the groups gnomAD compares: African/African-American, 0.012%; no homozygotes.

Submission:

Labcorp Genetics (formerly Invitae), Labcorp
Classification: Uncertain significance. Last evaluated: 2024-04-18. Review status: criteria provided, single submitter. Criteria: Invitae Variant Classification Sherloc (09022015). Collection method: clinical testing. Allele origin: germline.
Comment: This sequence change replaces valine, which is neutral and non-polar, with alanine, which is neutral and non-polar, at codon 681 of the KL protein (p.Val681Ala). This variant is present in population databases (rs781554390, gnomAD 0.02%). This variant has not been reported in the literature in individuals affected with KL-related conditions. Advanced modeling of protein sequence and biophysical properties (such as structural, functional, and spatial information, amino acid conservation, physicochemical variation, residue mobility, and thermodynamic stability) performed at Invitae indicates that this missense variant is expected to disrupt KL protein function with a positive predictive value of 80%. In summary, the available evidence is currently insufficient to determine the role of this variant in disease. Therefore, it has been classified as a Variant of Uncertain Significance.